The following is an entry in ClinVar:

ClinVar aggregate classification (germline): Conflicting classifications of pathogenicity. Review status: criteria provided, conflicting classifications (1 of 4 stars). 2 submissions from 2 submitters: Pathogenic (1); Uncertain significance (1). Last evaluated 2024-03-25.

Conditions:
Microcephalic osteodysplastic primordial dwarfism type II (MOPD2). Also called: Microcephalic osteodysplastic primordial dwarfism with tooth abnormalities; MOPD II; OSTEODYSPLASTIC PRIMORDIAL DWARFISM, TYPE II. Identifiers: Orphanet 2637, MedGen C0432246, MONDO:0008872, OMIM 210720.

Submissions (2):

Genomic Medicine Center of Excellence, King Faisal Specialist Hospital and Research Centre
Classification: Uncertain significance for Microcephalic osteodysplastic primordial dwarfism type II. Last evaluated: 2024-03-25. Review status: criteria provided, single submitter. Criteria: ACMG Guidelines, 2015. Collection method: research. Allele origin: germline.

GeneDx
Classification: Pathogenic. Last evaluated: 2015-08-26. Review status: criteria provided, single submitter. Criteria: GeneDx Variant Classification (06012015). Collection method: clinical testing. Allele origin: germline. Affected: yes.
Comment: The c.6366_6367delAT pathogenic variant in the PCNT gene has not been reported previously as apathogenic variant nor as a benign variant, to our knowledge. The c.6366_6367delAT variant causes aframeshift starting with codon Serine 2123, changes this amino acid to a Threonine residue, and creates apremature Stop codon at position 7 of the new reading frame, denoted p.Ser2123ThrfsX7. This variant ispredicted to cause loss of normal protein function either through protein truncation or nonsense-mediatedmRNA decay. The c.6366_6367delAT variant was not observed in approximately 6500 individuals ofEuropean and African American ancestry in the NHLBI Exome Sequencing Project, indicating it is not acommon benign variant in these populations. We interpret c.6366_6367delAT as a pathogenic variant.

NM_006031.6(PCNT):c.6366_6367del (p.Ser2123fs)

Gene: PCNT (pericentrin; plus strand). Cytogenetic location: 21q22.3.
Variant type: Microsatellite.
Coding change: c.6366_6367del on transcript NM_006031.6 (MANE Select); coding-DNA positions 6366 to 6367, 2 bases deleted (AT; older notation c.6366_6367delAT).
Protein change: p.Ser2123fs; shifts the reading frame from serine 2123.
Molecular consequence: frameshift variant.
Genome position (GRCh38, 1-based): chr21:46,416,284-46,416,285, AT deleted; deleting any 2 consecutive bases within chr21:46,416,282-46,416,285 gives the same sequence; the c. name uses the placement nearest the transcript's 3' end. VCF-style (leftmost placement, unchanged base first): chr21-46416281-CAT-C. GRCh37 (hg19) VCF-style: chr21-47836195-CAT-C.
Other names: c.6012_6013del, p.Ser2005fs (NM_001315529.2); c.6366_6367delAT (NM_006031.5); c.6366_6367del (NM_006031.5); short protein forms S2123fs, S2005fs.
Identifiers: ClinVar variation 419606 (VCV000419606.4), dbSNP rs1064793985, ClinGen allele CA16621034.
Genomic context (GRCh38, chr21:46,416,281, plus strand): 5'-CTCAGCACACCTGTTGGAGAGCAGCTGGAGTGATGATTCCTGTGACGGAGAAGAGCCTGA[CAT>C]ATCACCCCACATAGACACATGTGATGCCAATACAGCCACGGGGGGTGTAACTGATGTTAT-3'